The following is an entry in ClinVar:

NC_000005.10:g.112707412A>T

Gene: APC (APC regulator of Wnt signaling pathway; plus strand). Cytogenetic location: 5q22.2.
Variant type: single nucleotide variant.
Genome position: GRCh38 VCF-style: chr5-112707412-A-T. GRCh37 (hg19) VCF-style: chr5-112043109-A-T.
Identifiers: ClinVar variation 469882 (VCV000469882.10), dbSNP rs1012461653, ClinGen allele CA561890092.

ClinVar aggregate classification (germline): Uncertain significance (1 of 4 stars; one submission).

Conditions:
Familial adenomatous polyposis 1 (FAP1). Also called: FAMILIAL ADENOMATOUS POLYPOSIS 1, ATTENUATED; POLYPOSIS, ADENOMATOUS INTESTINAL. Identifiers: MedGen C2713442, MONDO:0021056, OMIM 175100. Disease mechanism: loss of function.

Allele frequency attached by ClinVar (database versions not stated): gnomAD 0.00003.

Submission:

Labcorp Genetics (formerly Invitae), Labcorp
Classification: Uncertain significance for Familial adenomatous polyposis 1. Last evaluated: 2025-12-09. Review status: criteria provided, single submitter. Criteria: Invitae Variant Classification Sherloc (09022015). Collection method: clinical testing. Allele origin: germline.
Comment: This variant occurs in a non-coding region of the APC gene. It does not change the encoded amino acid sequence of the APC protein. This variant is present in population databases (no rsID available, gnomAD 0.007%). This variant has not been reported in the literature in individuals affected with APC-related conditions. ClinVar contains an entry for this variant (Variation ID: 469882). Experimental studies and prediction algorithms are not available or were not evaluated, and the functional significance of this variant is currently unknown. In summary, the available evidence is currently insufficient to determine the role of this variant in disease. Therefore, it has been classified as a Variant of Uncertain Significance.